The following is an entry in ClinVar:

ClinVar aggregate classification (germline): Uncertain significance. Review status: criteria provided, multiple submitters, no conflicts (2 of 4 stars). 3 submissions from 3 submitters: Uncertain significance (3). Last evaluated 2024-09-24.

Conditions:
Inborn genetic diseases. Identifiers: MedGen C0950123, MeSH D030342.
Pelviscapular dysplasia. Identifiers: Orphanet 93333, MedGen C1850040, MONDO:0009845, OMIM 260660.

Allele frequency attached by ClinVar (database versions not stated): gnomAD exomes 0.00002 and 0.00006; TOPMed 0.00003; ExAC 0.00006.
gnomAD v4.1: 15 of 1,614,054 alleles (0.00093%); highest among the groups gnomAD compares: Admixed American, 0.023%; no homozygotes.

Submissions (3):

Labcorp Genetics (formerly Invitae), Labcorp
Classification: Uncertain significance. Last evaluated: 2024-09-24. Review status: criteria provided, single submitter. Criteria: Invitae Variant Classification Sherloc (09022015). Collection method: clinical testing. Allele origin: germline.
Comment: This sequence change replaces alanine, which is neutral and non-polar, with valine, which is neutral and non-polar, at codon 297 of the TBX15 protein (p.Ala297Val). This variant is present in population databases (rs755307688, gnomAD 0.04%). This variant has not been reported in the literature in individuals affected with TBX15-related conditions. ClinVar contains an entry for this variant (Variation ID: 1408298). Invitae Evidence Modeling of protein sequence and biophysical properties (such as structural, functional, and spatial information, amino acid conservation, physicochemical variation, residue mobility, and thermodynamic stability) indicates that this missense variant is not expected to disrupt TBX15 protein function with a negative predictive value of 80%. In summary, the available evidence is currently insufficient to determine the role of this variant in disease. Therefore, it has been classified as a Variant of Uncertain Significance.

Genome-Nilou Lab
Classification: Uncertain significance for Pelviscapular dysplasia. Last evaluated: 2023-04-11. Review status: criteria provided, single submitter. Criteria: ACMG Guidelines, 2015. Collection method: clinical testing. Allele origin: germline. Affected: no.

Ambry Genetics
Classification: Uncertain significance for Inborn genetic diseases. Last evaluated: 2023-02-22. Review status: criteria provided, single submitter. Criteria: Ambry Variant Classification Scheme 2023. Collection method: clinical testing. Allele origin: germline.

NM_001330677.2(TBX15):c.1208C>T (p.Ala403Val)

Gene: TBX15 (T-box transcription factor 15; minus strand). Cytogenetic location: 1p12.
Variant type: single nucleotide variant.
Coding change: c.1208C>T on transcript NM_001330677.2 (MANE Select); coding-DNA position 1208, C replaced by T.
Protein change: p.Ala403Val; replaces alanine 403 with valine.
Molecular consequence: missense variant.
Genome position (GRCh38, 1-based): chr1:118,885,333, G>A on the plus strand (C>T on the coding strand, the complement: TBX15 is on the minus strand). VCF-style: chr1-118885333-G-A. GRCh37 (hg19) VCF-style: chr1-119427956-G-A.
Other names: c.890C>T (NM_152380.2); c.890C>T, p.Ala297Val (NM_152380.3); short protein forms A297V, A403V.
Identifiers: ClinVar variation 1408298 (VCV001408298.9), dbSNP rs755307688, ClinGen allele CA1034878.
Genomic context (GRCh38, chr1:118,885,333, plus strand): 5'-CTGTTGTAGCCACTGTCACTCAGCCCTGGGTAGCTCTGCAAGGCAGCCATGTTGCTTCGG[G>A]CACATGGTGGATAATCAGAGAGGTTTAGATTACACAGCTGGCTTTCTCGGCAGCCCACAT-3'
Protein context (NP_001317606.1, residues 393-413): NLNLSDYPPC[Ala403Val]RSNMAALQSY